The following is an entry in ClinVar:

ClinVar aggregate classification (germline): Likely benign (1 of 4 stars; one submission).

Allele frequency attached by ClinVar (database versions not stated): ExAC 0.00002.
gnomAD v4.1: 4 of 1,210,988 alleles (0.00033%); highest among the groups gnomAD compares: East Asian, 0.012%; no homozygotes.

Submission:

CeGaT Center for Human Genetics Tuebingen
Classification: Likely benign. Last evaluated: 2022-03-01. Review status: criteria provided, single submitter. Criteria: CeGaT Center For Human Genetics Tuebingen Variant Classification Criteria Version 2. Collection method: clinical testing. Allele origin: germline. Affected: yes. Observed: 1 variant allele.
Comment: UPF3B: BP4, BP7

NM_080632.3(UPF3B):c.1044G>A (p.Arg348=)

Gene: UPF3B (UPF3B regulator of nonsense mediated mRNA decay; minus strand). Cytogenetic location: Xq24.
Variant type: single nucleotide variant.
Coding change: c.1044G>A on transcript NM_080632.3 (MANE Select); coding-DNA position 1044, G replaced by A.
Protein change: p.Arg348=; no amino-acid change (arginine 348 retained).
Molecular consequence: synonymous variant.
Genome position (GRCh38, 1-based): chrX:119,838,015, C>T on the plus strand (G>A on the coding strand, the complement: UPF3B is on the minus strand). VCF-style: chrX-119838015-C-T. GRCh37 (hg19) VCF-style: chrX-118971978-C-T.
Other names: c.1005G>A, p.Arg335= (NM_023010.4).
Identifiers: ClinVar variation 2661307 (VCV002661307.24), dbSNP rs755604915, ClinGen allele CA10503202.